The following is an entry in ClinVar:

ClinVar aggregate classification (germline): Uncertain significance. Review status: criteria provided, multiple submitters, no conflicts (2 of 4 stars). 2 submissions from 2 submitters: Uncertain significance (2). Last evaluated 2025-07-20.

Conditions:
Cardiomyopathy (CMYO). Also called: Cardiomyopathies. Identifiers: Orphanet 167848, MedGen C0878544, MONDO:0004994, HP:0001638. Inheritance: Various modes of inheritance.
Familial isolated arrhythmogenic right ventricular dysplasia. Identifiers: Orphanet 217656, MedGen C4274968, MONDO:0016342.

Allele frequency attached by ClinVar (database versions not stated): gnomAD exomes below 0.00001.
gnomAD v4.1: 1 of 1,606,686 alleles (0.000062%); highest among the groups gnomAD compares: Non-Finnish European, 0.000085%; no homozygotes.

Submissions (2):

Color Diagnostics, LLC DBA Color Health
Classification: Uncertain significance for Cardiomyopathy. Last evaluated: 2025-07-20. Review status: criteria provided, single submitter. Criteria: ACMG Guidelines, 2015. Collection method: clinical testing. Allele origin: germline.
Comment: This missense variant replaces aspartic acid with glycine at codon 44 of the DSC2 protein. Computational prediction suggests that this variant may not impact protein structure and function. To our knowledge, functional studies have not been reported for this variant. This variant has not been reported in individuals affected with DSC2-related disorders in the literature. This variant has not been identified in the general population by the Genome Aggregation Database (gnomAD). The available evidence is insufficient to determine the role of this variant in disease conclusively. Therefore, this variant is classified as a Variant of Uncertain Significance.

All of Us Research Program, National Institutes of Health
Classification: Uncertain significance for Familial isolated arrhythmogenic right ventricular dysplasia. Last evaluated: 2023-06-26. Review status: criteria provided, single submitter. Criteria: ACMG Guidelines, 2015. Collection method: clinical testing. Allele origin: germline. Inheritance: Autosomal dominant inheritance. Observed: 1 variant allele, 1 heterozygote.
Comment: This missense variant replaces aspartic acid with glycine at codon 44 of the DSC2 protein. Computational prediction suggests that this variant may not impact protein structure and function (internally defined REVEL score threshold <= 0.5, PMID: 27666373). To our knowledge, functional studies have not been reported for this variant. This variant has not been reported in individuals affected with DSC2-related disorders in the literature. This variant has not been identified in the general population by the Genome Aggregation Database (gnomAD). The available evidence is insufficient to determine the role of this variant in disease conclusively. Therefore, this variant is classified as a Variant of Uncertain Significance.

This study involves interpretation of variants in research participants for the purpose of population health screening. Participant phenotype was not available at the time of variant classification. Additional details can be found in publication PMID: 35346344, PMCID: PMC8962531

NM_024422.6(DSC2):c.131A>G (p.Asp44Gly)

Gene: DSC2 (desmocollin 2; minus strand). Cytogenetic location: 18q12.1.
Variant type: single nucleotide variant.
Coding change: c.131A>G on transcript NM_024422.6 (MANE Select); coding-DNA position 131, A replaced by G.
Protein change: p.Asp44Gly; replaces aspartic acid 44 with glycine.
Molecular consequence: missense variant. On other transcripts: 5 prime UTR variant (2).
Genome position (GRCh38, 1-based): chr18:31,093,582, T>C on the plus strand (A>G on the coding strand, the complement: DSC2 is on the minus strand). VCF-style: chr18-31093582-T-C. GRCh37 (hg19) VCF-style: chr18-28673545-T-C.
Other names: c.-299A>G (NM_001406506.1, NM_001406507.1); c.131A>G, p.Asp44Gly (NM_004949.5); short protein forms D44G.
Identifiers: ClinVar variation 3071851 (VCV003071851.2), dbSNP rs2510957192, ClinGen allele CA402115056.